The following is an entry in ClinVar:

NM_177438.3(DICER1):c.737A>G (p.Tyr246Cys)

Gene: DICER1 (dicer 1, ribonuclease III; minus strand). Cytogenetic location: 14q32.13.
Variant type: single nucleotide variant.
Coding change: c.737A>G on transcript NM_177438.3 (MANE Select); coding-DNA position 737, A replaced by G.
Protein change: p.Tyr246Cys; replaces tyrosine 246 with cysteine.
Molecular consequence: missense variant.
Genome position (GRCh38, 1-based): chr14:95,126,746, T>C on the plus strand (A>G on the coding strand, the complement: DICER1 is on the minus strand). VCF-style: chr14-95126746-T-C. GRCh37 (hg19) VCF-style: chr14-95593083-T-C.
Other names: c.737A>G, p.Tyr246Cys (NM_001195573.1, NM_001271282.3, NM_001291628.2 and 1 more transcripts); short protein forms Y246C.
Identifiers: ClinVar variation 477282 (VCV000477282.16), dbSNP rs775370673, ClinGen allele CA7331575.

ClinVar aggregate classification (germline): Uncertain significance. Review status: criteria provided, multiple submitters, no conflicts (2 of 4 stars). 4 submissions from 4 submitters: Uncertain significance (4). Last evaluated 2025-10-01.

Conditions:
Global developmental delay - lung cysts - overgrowth - Wilms tumor syndrome. Also called: GLOW Syndrome; GLOBAL DEVELOPMENTAL DELAY, LUNG CYSTS, OVERGROWTH, AND WILMS TUMOR. Identifiers: Orphanet 404476, MedGen C4748924, MONDO:0018445, OMIM 618272.
DICER1-related tumor predisposition. Also called: DICER1-related pleuropulmonary blastoma cancer predisposition syndrome; DICER1 syndrome. Identifiers: Orphanet 284343, MedGen C3839822, MONDO:0100216.
Hereditary cancer-predisposing syndrome. Also called: Tumor predisposition; Neoplastic Syndromes, Hereditary; Hereditary Cancer Syndrome; Hereditary neoplastic syndrome. Identifiers: Orphanet 140162, MedGen C0027672, MeSH D009386, MONDO:0015356.

Allele frequency attached by ClinVar (database versions not stated): gnomAD exomes below 0.00001; gnomAD 0.00001 and 0.00003.
gnomAD v4.1: 4 of 1,601,862 alleles (0.00025%); highest among the groups gnomAD compares: Middle Eastern, 0.033%; no homozygotes.

Submissions (4):

Labcorp Genetics (formerly Invitae), Labcorp
Classification: Uncertain significance for DICER1-related tumor predisposition. Last evaluated: 2025-10-01. Review status: criteria provided, single submitter. Criteria: Invitae Variant Classification Sherloc (09022015). Collection method: clinical testing. Allele origin: germline.
Comment: This sequence change replaces tyrosine, which is neutral and polar, with cysteine, which is neutral and slightly polar, at codon 246 of the DICER1 protein (p.Tyr246Cys). This variant is present in population databases (rs775370673, gnomAD 0.003%). This variant has not been reported in the literature in individuals affected with DICER1-related conditions. ClinVar contains an entry for this variant (Variation ID: 477282). Invitae Evidence Modeling of protein sequence and biophysical properties (such as structural, functional, and spatial information, amino acid conservation, physicochemical variation, residue mobility, and thermodynamic stability) indicates that this missense variant is not expected to disrupt DICER1 protein function with a negative predictive value of 95%. In summary, the available evidence is currently insufficient to determine the role of this variant in disease. Therefore, it has been classified as a Variant of Uncertain Significance.

Quest Diagnostics Nichols Institute San Juan Capistrano
Classification: Uncertain significance. Last evaluated: 2025-09-11. Review status: criteria provided, single submitter. Criteria: Quest Diagnostics criteria. Collection method: clinical testing. Allele origin: unknown.
Comment: The DICER1 c.737A>G (p.Tyr246Cys) variant has not been reported in individuals with DICER1-related conditions in the published literature. The frequency of this variant in the general population (Genome Aggregation Database) is uninformative in the assessment of its pathogenicity. Analysis of this variant using bioinformatics tools for the prediction of the effect of amino acid changes on protein structure and function yielded conflicting predictions that this variant is deleterious or benign. Based on the available information, we are unable to determine the clinical significance of this variant.

Ambry Genetics
Classification: Uncertain significance for Hereditary cancer-predisposing syndrome. Last evaluated: 2024-01-23. Review status: criteria provided, single submitter. Criteria: Ambry Variant Classification Scheme 2023. Collection method: clinical testing. Allele origin: germline.
Comment: The p.Y246C variant (also known as c.737A>G), located in coding exon 6 of the DICER1 gene, results from an A to G substitution at nucleotide position 737. The tyrosine at codon 246 is replaced by cysteine, an amino acid with highly dissimilar properties. This amino acid position is well conserved in available vertebrate species. In addition, the in silico prediction for this alteration is inconclusive. Since supporting evidence is limited at this time, the clinical significance of this alteration remains unclear.

Baylor Genetics
Classification: Uncertain significance for Global developmental delay - lung cysts - overgrowth - Wilms tumor syndrome. Last evaluated: 2023-08-25. Review status: criteria provided, single submitter. Criteria: ACMG Guidelines, 2015. Collection method: clinical testing. Allele origin: unknown.